The following is an entry in ClinVar:

ClinVar aggregate classification (germline): Likely benign. Review status: criteria provided, multiple submitters, no conflicts (2 of 4 stars). 2 submissions from 2 submitters: Likely benign (2). Last evaluated 2018-01-30.

Allele frequency attached by ClinVar (database versions not stated): 1000 Genomes Project 0.00040; TOPMed 0.00043; 1000 Genomes Project 30x 0.00047.
gnomAD v4.1: 748 of 1,608,362 alleles (0.047%); highest among the groups gnomAD compares: Middle Eastern, 0.43%; 1 homozygote.

Submissions (2):

GeneDx
Classification: Likely benign. Last evaluated: 2018-01-30. Review status: criteria provided, single submitter. Criteria: GeneDx Variant Classification (06012015). Collection method: clinical testing. Allele origin: germline. Affected: yes.
Comment: This variant is considered likely benign or benign based on one or more of the following criteria: it is a conservative change, it occurs at a poorly conserved position in the protein, it is predicted to be benign by multiple in silico algorithms, and/or has population frequency not consistent with disease.

PreventionGenetics, part of Exact Sciences
Classification: Likely benign. Review status: criteria provided, single submitter. Criteria: ACMG Guidelines, 2015. Collection method: clinical testing. Allele origin: germline.

NM_003282.4(TNNI2):c.57+17G>C

Gene: TNNI2 (troponin I2, fast skeletal type; plus strand). Cytogenetic location: 11p15.5.
Variant type: single nucleotide variant.
Coding change: c.57+17G>C on transcript NM_003282.4 (MANE Select); 17 bases into the intron after coding-DNA position 57, G replaced by C.
Molecular consequence: intron variant.
Genome position (GRCh38, 1-based): chr11:1,840,461, G>C. VCF-style: chr11-1840461-G-C. GRCh37 (hg19) VCF-style: chr11-1861691-G-C.
Other names: c.57+17G>C (NM_001145829.2, NM_001145841.2).
Identifiers: ClinVar variation 259026 (VCV000259026.2), dbSNP rs369191700, ClinGen allele CA5815074.